The following is an entry in ClinVar:

ClinVar aggregate classification (germline): Uncertain significance. Review status: criteria provided, multiple submitters, no conflicts (2 of 4 stars). 2 submissions from 2 submitters: Uncertain significance (2). Last evaluated 2024-01-25.

Conditions:
Inborn genetic diseases. Identifiers: MedGen C0950123, MeSH D030342.
Charcot-Marie-Tooth disease type 2. Also called: Charcot-Marie-Tooth type 2. Identifiers: Orphanet 64746, MedGen C0270914, MONDO:0018993.

Allele frequency attached by ClinVar (database versions not stated): ESP Exome Variant Server 0.00008; TOPMed 0.00001; gnomAD exomes below 0.00001 and 0.00001; ExAC 0.00001.
gnomAD v4.1: 3 of 1,614,180 alleles (0.00019%); highest among the groups gnomAD compares: Non-Finnish European, 0.00017%; no homozygotes.

Submissions (2):

Labcorp Genetics (formerly Invitae), Labcorp
Classification: Uncertain significance for Charcot-Marie-Tooth disease type 2. Last evaluated: 2024-01-25. Review status: criteria provided, single submitter. Criteria: Invitae Variant Classification Sherloc (09022015). Collection method: clinical testing. Allele origin: germline.
Comment: This sequence change replaces threonine, which is neutral and polar, with alanine, which is neutral and non-polar, at codon 521 of the AARS protein (p.Thr521Ala). This variant is present in population databases (rs369465026, gnomAD 0.003%). This variant has not been reported in the literature in individuals affected with AARS-related conditions. ClinVar contains an entry for this variant (Variation ID: 1682210). Advanced modeling of protein sequence and biophysical properties (such as structural, functional, and spatial information, amino acid conservation, physicochemical variation, residue mobility, and thermodynamic stability) performed at Invitae indicates that this missense variant is not expected to disrupt AARS protein function with a negative predictive value of 95%. In summary, the available evidence is currently insufficient to determine the role of this variant in disease. Therefore, it has been classified as a Variant of Uncertain Significance.

Ambry Genetics
Classification: Uncertain significance for Inborn genetic diseases. Last evaluated: 2022-06-07. Review status: criteria provided, single submitter. Criteria: Ambry Variant Classification Scheme 2023. Collection method: clinical testing. Allele origin: germline.
Comment: The p.T521A variant (also known as c.1561A>G), located in coding exon 11 of the AARS gene, results from an A to G substitution at nucleotide position 1561. The threonine at codon 521 is replaced by alanine, an amino acid with similar properties. This amino acid position is conserved. In addition, this alteration is predicted to be tolerated by in silico analysis. Since supporting evidence is limited at this time, the clinical significance of this alteration remains unclear.

NM_001605.3(AARS1):c.1561A>G (p.Thr521Ala)

Gene: AARS1 (alanyl-tRNA synthetase 1; minus strand). Cytogenetic location: 16q22.1.
Variant type: single nucleotide variant.
Coding change: c.1561A>G on transcript NM_001605.3 (MANE Select); coding-DNA position 1561, A replaced by G.
Protein change: p.Thr521Ala; replaces threonine 521 with alanine.
Molecular consequence: missense variant.
Genome position (GRCh38, 1-based): chr16:70,262,456, T>C on the plus strand (A>G on the coding strand, the complement: AARS1 is on the minus strand). VCF-style: chr16-70262456-T-C. GRCh37 (hg19) VCF-style: chr16-70296359-T-C.
Other names: short protein forms T521A.
Identifiers: ClinVar variation 1682210 (VCV001682210.10), dbSNP rs369465026, ClinGen allele CA8140755.